The following is an entry in ClinVar:

NM_001370259.2(MEN1):c.1647A>G (p.Pro549=)

Gene: MEN1 (menin 1; minus strand). Cytogenetic location: 11q13.1.
Variant type: single nucleotide variant.
Coding change: c.1647A>G on transcript NM_001370259.2 (MANE Select); coding-DNA position 1647, A replaced by G.
Protein change: p.Pro549=; no amino-acid change (proline 549 retained).
Molecular consequence: synonymous variant.
Genome position (GRCh38, 1-based): chr11:64,804,520, T>C on the plus strand (A>G on the coding strand, the complement: MEN1 is on the minus strand). VCF-style: chr11-64804520-T-C. GRCh37 (hg19) VCF-style: chr11-64571992-T-C.
Other names: c.1662A>G, p.Pro554= (NM_000244.4, NM_130800.3, NM_130801.3 and 3 more transcripts); c.1773A>G, p.Pro591= (NM_001370251.2); c.1647A>G, p.Pro549= (NM_001370260.2, NM_001370261.2, NM_130799.3); c.1542A>G, p.Pro514= (NM_001370262.2, NM_001370263.2).
Identifiers: ClinVar variation 1561982 (VCV001561982.11), dbSNP rs2136081746, ClinGen allele CA475163566.
Genomic context (GRCh38, chr11:64,804,520, plus strand): 5'-CTTGGTGGCCACCAGCAGCTCCTTCATGCCCTTCATCTTCTCACTCTGGAAAGTGAGCAC[T>C]GGACCCTCCGGCGGTGGTGATGCTGTGGGTGCTGGCACCTGAGCCGTGCTGCCACCTTCA-3'
Protein context (NP_001357188.2, residues 539-559): APTASPPPEG[Pro549=]VLTFQSEKMK

ClinVar aggregate classification (germline): Benign/Likely benign. Review status: criteria provided, multiple submitters, no conflicts (2 of 4 stars). 3 submissions from 3 submitters: Benign (1); Likely benign (2). Last evaluated 2024-11-05.

Conditions:
Multiple endocrine neoplasia, type 1 (MEN1). Also called: MEA I; MEN I; WERMER SYNDROME; Endocrine adenomatosis multiple; MEN 1. Identifiers: Orphanet 652, MedGen C0025267, MeSH D018761, MONDO:0007540, OMIM 131100.
Hereditary cancer-predisposing syndrome. Also called: Neoplastic Syndromes, Hereditary; Hereditary Cancer Syndrome; Hereditary neoplastic syndrome; Tumor predisposition. Identifiers: Orphanet 140162, MedGen C0027672, MeSH D009386, MONDO:0015356.

Allele frequency attached by ClinVar (database versions not stated): gnomAD exomes below 0.00001.

Submissions (3):

Myriad Genetics, Inc.
Classification: Benign for Multiple endocrine neoplasia, type 1. Last evaluated: 2024-11-05. Review status: criteria provided, single submitter. Criteria: Myriad Autosomal Dominant, Autosomal Recessive and X-Linked Classification Criteria (2023). Collection method: clinical testing. Allele origin: unknown.
Comment: This variant is considered benign. This variant is a silent/synonymous amino acid change and it is not expected to impact splicing.

Labcorp Genetics (formerly Invitae), Labcorp
Classification: Likely benign for Multiple endocrine neoplasia, type 1. Last evaluated: 2021-11-05. Review status: criteria provided, single submitter. Criteria: Invitae Variant Classification Sherloc (09022015). Collection method: clinical testing. Allele origin: germline.

Ambry Genetics
Classification: Likely benign for Hereditary cancer-predisposing syndrome. Last evaluated: 2015-07-09. Review status: criteria provided, single submitter. Criteria: Ambry Variant Classification Scheme 2023. Collection method: clinical testing. Allele origin: germline.